The following is an entry in ClinVar:

NM_012434.5(SLC17A5):c.127G>A (p.Ala43Thr)

Gene: SLC17A5 (solute carrier family 17 member 5; minus strand). Cytogenetic location: 6q13.
Variant type: single nucleotide variant.
Coding change: c.127G>A on transcript NM_012434.5 (MANE Select); coding-DNA position 127, G replaced by A.
Protein change: p.Ala43Thr; replaces alanine 43 with threonine.
Molecular consequence: missense variant.
Genome position (GRCh38, 1-based): chr6:73,644,571, C>T on the plus strand (G>A on the coding strand, the complement: SLC17A5 is on the minus strand). VCF-style: chr6-73644571-C-T. GRCh37 (hg19) VCF-style: chr6-74354294-C-T.
Other names: short protein forms A43T.
Identifiers: ClinVar variation 2114199 (VCV002114199.4), dbSNP rs545973, ClinGen allele CA342127.

ClinVar aggregate classification (germline): Uncertain significance (1 of 4 stars; one submission).

Conditions:
Salla disease (SD). Also called: Less Severe FSASD (Salla Disease); Sialuria, Finnish type; N-acetylneuraminic acid (NANA) storage disease (NSD); Infantile sialic acid storage disorder (ISSD). Identifiers: Orphanet 309334, Orphanet 834, MedGen C1096903, MONDO:0011449, OMIM 604369.

Submission:

Labcorp Genetics (formerly Invitae), Labcorp
Classification: Uncertain significance for Salla disease. Last evaluated: 2025-02-24. Review status: criteria provided, single submitter. Criteria: Invitae Variant Classification Sherloc (09022015). Collection method: clinical testing. Allele origin: germline.
Comment: This sequence change replaces alanine, which is neutral and non-polar, with threonine, which is neutral and polar, at codon 43 of the SLC17A5 protein (p.Ala43Thr). This variant is not present in population databases (gnomAD no frequency). This variant has not been reported in the literature in individuals affected with SLC17A5-related conditions. ClinVar contains an entry for this variant (Variation ID: 2114199). Invitae Evidence Modeling of protein sequence and biophysical properties (such as structural, functional, and spatial information, amino acid conservation, physicochemical variation, residue mobility, and thermodynamic stability) has been performed for this missense variant. However, the output from this modeling did not meet the statistical confidence thresholds required to predict the impact of this variant on SLC17A5 protein function. In summary, the available evidence is currently insufficient to determine the role of this variant in disease. Therefore, it has been classified as a Variant of Uncertain Significance.